The following is an entry in ClinVar:

NM_006947.4(SRP72):c.959C>T (p.Ala320Val)

Gene: SRP72 (signal recognition particle 72; plus strand). Cytogenetic location: 4q12.
Variant type: single nucleotide variant.
Coding change: c.959C>T on transcript NM_006947.4 (MANE Select); coding-DNA position 959, C replaced by T.
Protein change: p.Ala320Val; replaces alanine 320 with valine.
Molecular consequence: missense variant. On other transcripts: non-coding transcript variant (1).
Genome position (GRCh38, 1-based): chr4:56,484,737, C>T. VCF-style: chr4-56484737-C-T. GRCh37 (hg19) VCF-style: chr4-57350903-C-T.
Other names: c.776C>T, p.Ala259Val (NM_001267722.2); short protein forms A259V, A320V.
Identifiers: ClinVar variation 4825778 (VCV004825778.1).

ClinVar aggregate classification (germline): Uncertain significance (1 of 4 stars; one submission).

Submission:

Ambry Genetics
Classification: Uncertain significance. Last evaluated: 2026-02-28. Review status: criteria provided, single submitter. Criteria: Ambry Variant Classification Scheme 2023. Collection method: clinical testing. Allele origin: germline.
Comment: The p.A320V variant (also known as c.959C>T), located in coding exon 10 of the SRP72 gene, results from a C to T substitution at nucleotide position 959. The alanine at codon 320 is replaced by valine, an amino acid with similar properties. This amino acid position is conserved. In addition, the in silico prediction for this alteration is inconclusive. Based on the available evidence, the clinical significance of this variant remains unclear.